The following is an entry in ClinVar:

NM_001162501.2(TNRC6B):c.2074C>G (p.Pro692Ala)

Gene: TNRC6B (trinucleotide repeat containing adaptor 6B; plus strand). Cytogenetic location: 22q13.1.
Variant type: single nucleotide variant.
Coding change: c.2074C>G on transcript NM_001162501.2 (MANE Select); coding-DNA position 2074, C replaced by G.
Protein change: p.Pro692Ala; replaces proline 692 with alanine.
Molecular consequence: missense variant. On other transcripts: intron variant (1).
Genome position (GRCh38, 1-based): chr22:40,266,304, C>G. VCF-style: chr22-40266304-C-G. GRCh37 (hg19) VCF-style: chr22-40662308-C-G.
Other names: c.2074C>G, p.Pro692Ala (NM_015088.3); c.566-3818C>G (NM_001024843.2); short protein forms P692A.
Identifiers: ClinVar variation 4071929 (VCV004071929.1).

ClinVar aggregate classification (germline): Uncertain significance (1 of 4 stars; one submission).

Submission:

GeneDx
Classification: Uncertain significance. Last evaluated: 2025-01-28. Review status: criteria provided, single submitter. Criteria: GeneDx Variant Classification Process June 2021. Collection method: clinical testing. Allele origin: germline. Affected: yes.
Comment: Not observed at significant frequency in large population cohorts (gnomAD); In silico analysis indicates that this missense variant does not alter protein structure/function; Has not been previously published as pathogenic or benign to our knowledge